The following is an entry in ClinVar:

ClinVar aggregate classification (germline): Likely benign. Review status: criteria provided, single submitter (1 of 4 stars). 2 submissions from 2 submitters: Likely benign (1). 1 of the submissions does not count toward it. Last evaluated 2025-10-15.

Conditions:
HK1-related disorder. Also called: HK1-related disorders; HK1-related condition.

Allele frequency attached by ClinVar (database versions not stated): gnomAD exomes 0.00001; ExAC 0.00003; TOPMed 0.00008; gnomAD 0.00009; ESP Exome Variant Server 0.00015.
gnomAD v4.1: 22 of 1,605,692 alleles (0.0014%); highest among the groups gnomAD compares: African/African-American, 0.029%; no homozygotes.

Submissions (2):

Labcorp Genetics (formerly Invitae), Labcorp
Classification: Likely benign. Last evaluated: 2025-10-15. Review status: criteria provided, single submitter. Criteria: Invitae Variant Classification Sherloc (09022015). Collection method: clinical testing. Allele origin: germline.

PreventionGenetics, part of Exact Sciences
Classification: Likely benign for HK1-related condition. Last evaluated: 2023-02-08. Review status: no assertion criteria provided. Collection method: clinical testing. Allele origin: germline. Not counted in ClinVar's aggregate classification.
Comment: This variant is classified as likely benign based on ACMG/AMP sequence variant interpretation guidelines (Richards et al. 2015 PMID: 25741868, with internal and published modifications).

NM_000188.3(HK1):c.1032-4A>G

Gene: HK1 (hexokinase 1; plus strand). Cytogenetic location: 10q22.1.
Variant type: single nucleotide variant.
Coding change: c.1032-4A>G on transcript NM_000188.3 (MANE Select); 4 bases into the intron before coding-DNA position 1032, A replaced by G.
Molecular consequence: intron variant.
Genome position (GRCh38, 1-based): chr10:69,379,858, A>G. VCF-style: chr10-69379858-A-G. GRCh37 (hg19) VCF-style: chr10-71139614-A-G.
Other names: c.996-4A>G (NM_033500.2); c.1137-4A>G (NM_001322365.2); c.1044-4A>G (NM_033498.3, NM_033497.3, NM_001322364.2 and 1 more transcripts); c.1029-4A>G (NM_033496.3); c.948-4A>G (NM_001322366.1); c.936-4A>G (NM_001322367.1); c.1032-4A>G (NM_000188.2).
Identifiers: ClinVar variation 1901063 (VCV001901063.7), dbSNP rs370277559, ClinGen allele CA5532498.